The following is an entry in ClinVar:

ClinVar aggregate classification (germline): Likely pathogenic (1 of 4 stars; one submission).

Submission:

Labcorp Genetics (formerly Invitae), Labcorp
Classification: Likely pathogenic. Last evaluated: 2020-05-21. Review status: criteria provided, single submitter. Criteria: Invitae Variant Classification Sherloc (09022015). Collection method: clinical testing. Allele origin: germline.
Comment: In summary, the currently available evidence indicates that the variant is pathogenic, but additional data are needed to prove that conclusively. Therefore, this variant has been classified as Likely Pathogenic. Algorithms developed to predict the effect of missense changes on protein structure and function are either unavailable or do not agree on the potential impact of this missense change (SIFT: "Deleterious"; PolyPhen-2: "Probably Damaging"; Align-GVGD: "Class C0"). This variant has been observed in individual(s) with NSD1-related conditions (PMID: 17565729, Invitae). In at least one individual the variant was observed to be de novo. ClinVar contains an entry for this variant (Variation ID: 863997). This variant is not present in population databases (ExAC no frequency). This sequence change replaces cysteine with phenylalanine at codon 2178 of the NSD1 protein (p.Cys2178Phe). The cysteine residue is highly conserved and there is a large physicochemical difference between cysteine and phenylalanine.

Literature cited by the submitters: PubMed 17565729.

NM_022455.5(NSD1):c.6533G>T (p.Cys2178Phe)

Gene: NSD1 (nuclear receptor binding SET domain protein 1; plus strand). Cytogenetic location: 5q35.3.
Variant type: single nucleotide variant.
Coding change: c.6533G>T on transcript NM_022455.5 (MANE Select); coding-DNA position 6533, G replaced by T.
Protein change: p.Cys2178Phe; replaces cysteine 2178 with phenylalanine.
Molecular consequence: missense variant.
Genome position (GRCh38, 1-based): chr5:177,293,901, G>T. VCF-style: chr5-177293901-G-T. GRCh37 (hg19) VCF-style: chr5-176720902-G-T.
Other names: c.5660G>T, p.Cys1887Phe (NM_001365684.2, NM_001409308.1, NM_172349.5); c.6533G>T, p.Cys2178Phe (NM_001409301.1, NM_001409302.1, NM_001409303.1); c.6113G>T, p.Cys2038Phe (NM_001409304.1); c.5780G>T, p.Cys1927Phe (NM_001409305.1); c.5771G>T, p.Cys1924Phe (NM_001409306.1, NM_001409307.1); c.5411G>T, p.Cys1804Phe (NM_001409309.1); short protein forms C2178F, C1909F, C1927F, C2038F, C1924F, C1804F, C1887F.
Identifiers: ClinVar variation 863997 (VCV000863997.10), dbSNP rs398124382, ClinGen allele CA362323764.